The following is an entry in ClinVar:

ClinVar aggregate classification (germline): Uncertain significance (1 of 4 stars; one submission).

Submission:

Labcorp Genetics (formerly Invitae), Labcorp
Classification: Uncertain significance. Last evaluated: 2023-06-13. Review status: criteria provided, single submitter. Criteria: Invitae Variant Classification Sherloc (09022015). Collection method: clinical testing. Allele origin: germline.
Comment: In summary, the available evidence is currently insufficient to determine the role of this variant in disease. Therefore, it has been classified as a Variant of Uncertain Significance. Advanced modeling of protein sequence and biophysical properties (such as structural, functional, and spatial information, amino acid conservation, physicochemical variation, residue mobility, and thermodynamic stability) performed at Invitae indicates that this missense variant is not expected to disrupt COL9A1 protein function. ClinVar contains an entry for this variant (Variation ID: 1383619). This variant has not been reported in the literature in individuals affected with COL9A1-related conditions. This variant is not present in population databases (gnomAD no frequency). This sequence change replaces serine, which is neutral and polar, with threonine, which is neutral and polar, at codon 603 of the COL9A1 protein (p.Ser603Thr).

NM_001851.6(COL9A1):c.1807T>A (p.Ser603Thr)

Gene: COL9A1 (collagen type IX alpha 1 chain; minus strand). Cytogenetic location: 6q13.
Variant type: single nucleotide variant.
Coding change: c.1807T>A on transcript NM_001851.6 (MANE Select); coding-DNA position 1807, T replaced by A.
Protein change: p.Ser603Thr; replaces serine 603 with threonine.
Molecular consequence: missense variant. On other transcripts: non-coding transcript variant (1).
Genome position (GRCh38, 1-based): chr6:70,252,273, A>T on the plus strand (T>A on the coding strand, the complement: COL9A1 is on the minus strand). VCF-style: chr6-70252273-A-T. GRCh37 (hg19) VCF-style: chr6-70961976-A-T.
Other names: c.1108T>A, p.Ser370Thr (NM_001377289.1); c.1078T>A, p.Ser360Thr (NM_001377290.1, NM_078485.4); short protein forms S360T, S603T, S370T.
Identifiers: ClinVar variation 1383619 (VCV001383619.6), dbSNP rs1398491945, ClinGen allele CA364677180.